The following is an entry in ClinVar:

ClinVar aggregate classification (germline): Uncertain significance. Review status: criteria provided, multiple submitters, no conflicts (2 of 4 stars). 12 submissions from 12 submitters: Uncertain significance (11). 1 of the submissions does not count toward it. Last evaluated 2025-05-02.

Conditions:
Pheochromocytoma. Also called: MAX-Related Hereditary Paraganglioma-Pheochromocytoma Syndrome. Identifiers: Orphanet 29072, MedGen C0031511, MONDO:0008233, OMIM 171300, HP:0002666.
Hirschsprung disease, susceptibility to, 1 (HSCR1). Also called: RET-Related Hirschsprung Disease. Identifiers: Orphanet 388, MedGen C3888239, MONDO:0007723, OMIM 142623.
Familial medullary thyroid carcinoma (MTC). Also called: Thyroid cancer, familial medullary; MTC, familial; Familial Medullary Thyroid Carcinoma (FMTC). Identifiers: Orphanet 653, Orphanet 99361, MedGen C1833921, MONDO:0007958, OMIM 155240.
Multiple endocrine neoplasia type 2B. Also called: WAGENMANN-FROBOESE SYNDROME; MULTIPLE ENDOCRINE NEOPLASIA, TYPE III; MEN 2B; MUCOSAL NEUROMA SYNDROME; MULTIPLE ENDOCRINE NEOPLASIA, TYPE IIB; MEN IIB. Identifiers: Orphanet 247709, Orphanet 653, MedGen C0025269, MeSH D018814, MONDO:0008082, OMIM 162300.
Multiple endocrine neoplasia type 2A. Also called: MULTIPLE ENDOCRINE NEOPLASIA, TYPE IIA; PTC SYNDROME; SIPPLE SYNDROME; MEN 2A; MEN-2A syndrome; Pheochromocytoma and amyloid producing medullary thyroid carcinoma. Identifiers: Orphanet 247698, Orphanet 653, MedGen C0025268, MeSH D018813, MONDO:0008234, OMIM 171400.
Hereditary cancer-predisposing syndrome. Also called: Tumor predisposition; Hereditary neoplastic syndrome; Neoplastic Syndromes, Hereditary; Hereditary Cancer Syndrome. Identifiers: Orphanet 140162, MedGen C0027672, MeSH D009386, MONDO:0015356.
Multiple endocrine neoplasia, type 2 (MEN2). Identifiers: Orphanet 653, MedGen C4048306, MONDO:0019003. Disease mechanism: gain of function.

Allele frequency attached by ClinVar (database versions not stated): gnomAD 0.00003 and 0.00004; TOPMed 0.00005; ESP Exome Variant Server 0.00008.
gnomAD v4.1: 37 of 1,613,906 alleles (0.0023%); highest among the groups gnomAD compares: Non-Finnish European, 0.0028%; no homozygotes.

Submissions (12):

Ambry Genetics
Classification: Uncertain significance for Hereditary cancer-predisposing syndrome. Last evaluated: 2025-05-02. Review status: criteria provided, single submitter. Criteria: Ambry Variant Classification Scheme 2023. Collection method: clinical testing. Allele origin: germline.
Comment: The p.S977R variant (also known as c.2931C>G), located in coding exon 17 of the RET gene, results from a C to G substitution at nucleotide position 2931. The serine at codon 977 is replaced by arginine, an amino acid with dissimilar properties. This amino acid position is well conserved in available vertebrate species. In addition, this alteration is predicted to be deleterious by in silico analysis. Based on data from gnomAD, the frequency for this variant is above the maximum credible frequency for a multiple endocrine neoplasia type 2 (MEN2) disease-causing variant in this gene based on internally established thresholds (Karczewski et al. Nature. 2020 May;581(7809):434-443; Whiffin et al. Genet Med. 2017 10;19:1151-1158). This variant has been detected in multiple individuals with no reported features of RET-associated disease (Ambry internal data). Based on the supporting evidence, the association of this alteration with Hirschprung disease is unknown; however, the association of this alteration with MEN2 is unlikely.

Laboratory of Genetics, Children's Clinical University Hospital Latvia
Classification: Uncertain significance. Last evaluated: 2025-02-16. Review status: criteria provided, single submitter. Criteria: ACMG Guidelines, 2015. Collection method: clinical testing. Allele origin: germline. Affected: yes.

Labcorp Genetics (formerly Invitae), Labcorp
Classification: Uncertain significance for Multiple endocrine neoplasia, type 2. Last evaluated: 2025-01-22. Review status: criteria provided, single submitter. Criteria: Invitae Variant Classification Sherloc (09022015). Collection method: clinical testing. Allele origin: germline.
Comment: This sequence change replaces serine, which is neutral and polar, with arginine, which is basic and polar, at codon 977 of the RET protein (p.Ser977Arg). This variant is present in population databases (rs375414982, gnomAD 0.006%). This variant has not been reported in the literature in individuals affected with RET-related conditions. ClinVar contains an entry for this variant (Variation ID: 216722). An algorithm developed to predict the effect of missense changes on protein structure and function (PolyPhen-2) suggests that this variant is likely to be disruptive. In summary, the available evidence is currently insufficient to determine the role of this variant in disease. Therefore, it has been classified as a Variant of Uncertain Significance.

Quest Diagnostics Nichols Institute San Juan Capistrano
Classification: Uncertain significance. Last evaluated: 2024-11-18. Review status: criteria provided, single submitter. Criteria: Quest Diagnostics criteria. Collection method: clinical testing. Allele origin: unknown.
Comment: The RET c.2931C>G (p.Ser977Arg) variant, to the best of our knowledge, has not been reported in individuals with RET-related conditions in the published literature. The frequency of this variant in the general population, 0.000044 (5/113684 chromosomes (Genome Aggregation Database)), is uninformative in the assessment of its pathogenicity. Analysis of this variant using bioinformatics tools for the prediction of the effect of amino acid changes on protein structure and function yielded predictions that this variant is damaging. Based on the available information, we are unable to determine the clinical significance of this variant.

All of Us Research Program, National Institutes of Health
Classification: Uncertain significance for Multiple endocrine neoplasia, type 2. Last evaluated: 2024-05-09. Review status: criteria provided, single submitter. Criteria: ACMG Guidelines, 2015. Collection method: clinical testing. Allele origin: germline. Inheritance: Autosomal dominant inheritance. Observed: 18 variant alleles, 18 heterozygotes.
Comment: This missense variant replaces serine with arginine at codon 977 of the RET protein. Computational prediction is inconclusive regarding the impact of this variant on protein structure and function (internally defined REVEL score threshold 0.5 < inconclusive < 0.7, PMID: 27666373). To our knowledge, functional studies have not been reported for this variant. This variant has not been reported in individuals affected with hereditary cancer in the literature. This variant has been identified in 7/251384 chromosomes in the general population by the Genome Aggregation Database (gnomAD). The available evidence is insufficient to determine the role of this variant in disease conclusively. Therefore, this variant is classified as a Variant of Uncertain Significance.

This study involves interpretation of variants in research participants for the purpose of population health screening. Participant phenotype was not available at the time of variant classification. Additional details can be found in publication PMID: 35346344, PMCID: PMC8962531

Baylor Genetics
Classification: Uncertain significance for Hirschsprung disease, susceptibility to, 1. Last evaluated: 2024-03-20. Review status: criteria provided, single submitter. Criteria: ACMG Guidelines, 2015. Collection method: clinical testing. Allele origin: unknown.

GeneDx
Classification: Uncertain significance. Last evaluated: 2024-02-11. Review status: criteria provided, single submitter. Criteria: GeneDx Variant Classification Process June 2021. Collection method: clinical testing. Allele origin: germline. Affected: yes.
Comment: In silico analysis supports that this missense variant has a deleterious effect on protein structure/function; Has not been previously published as pathogenic or benign to our knowledge; This variant is associated with the following publications: (PMID: 25877891, 14633923)

Color Diagnostics, LLC DBA Color Health
Classification: Uncertain significance for Multiple endocrine neoplasia, type 2. Last evaluated: 2024-02-07. Review status: criteria provided, single submitter. Criteria: ACMG Guidelines, 2015. Collection method: clinical testing. Allele origin: germline.
Comment: This missense variant replaces serine with arginine at codon 977 of the RET protein. Computational prediction is inconclusive regarding the impact of this variant on protein structure and function. To our knowledge, functional studies have not been reported for this variant. This variant has not been reported in individuals affected with hereditary cancer in the literature. This variant has been identified in 7/251384 chromosomes in the general population by the Genome Aggregation Database (gnomAD). The available evidence is insufficient to determine the role of this variant in disease conclusively. Therefore, this variant is classified as a Variant of Uncertain Significance.

Fulgent Genetics
Classification: Uncertain significance for Hirschsprung disease, susceptibility to, 1; Familial medullary thyroid carcinoma; Multiple endocrine neoplasia type 2B; Pheochromocytoma; Multiple endocrine neoplasia type 2A. Last evaluated: 2022-01-18. Review status: criteria provided, single submitter. Criteria: ACMG Guidelines, 2015. Collection method: clinical testing. Allele origin: unknown.

Mendelics
Classification: Uncertain significance for Multiple endocrine neoplasia, type 2a. Last evaluated: 2018-07-02. Review status: criteria provided, single submitter. Criteria: Mendelics Assertion Criteria 2017. Collection method: clinical testing. Allele origin: unknown.

PreventionGenetics, part of Exact Sciences
Classification: Uncertain significance. Last evaluated: 2017-10-05. Review status: criteria provided, single submitter. Criteria: ACMG Guidelines, 2015. Collection method: clinical testing. Allele origin: germline.

Counsyl
Classification: Uncertain significance for Multiple endocrine neoplasia type 2A. Last evaluated: 2017-09-22. Review status: no assertion criteria provided. Collection method: clinical testing. Allele origin: unknown. Not counted in ClinVar's aggregate classification.

Literature cited by the submitters: PubMed 25877891 (cited by Quest Diagnostics Nichols Institute San Juan Capistrano and Counsyl).

NM_020975.6(RET):c.2931C>G (p.Ser977Arg)

Gene: RET (ret proto-oncogene; plus strand). Cytogenetic location: 10q11.21.
Variant type: single nucleotide variant.
Coding change: c.2931C>G on transcript NM_020975.6 (MANE Select); coding-DNA position 2931, C replaced by G.
Protein change: p.Ser977Arg; replaces serine 977 with arginine.
Molecular consequence: missense variant.
Genome position (GRCh38, 1-based): chr10:43,123,800, C>G. VCF-style: chr10-43123800-C-G. GRCh37 (hg19) VCF-style: chr10-43619248-C-G.
Other names: c.2931C>G, p.Ser977Arg (NM_001406743.1, NM_001406744.1, NM_001406759.1 and 4 more transcripts); c.2802C>G, p.Ser934Arg (NM_001406761.1, NM_001406762.1, NM_001406764.1); c.2796C>G, p.Ser932Arg (NM_001406763.1, NM_001406765.1); c.2643C>G, p.Ser881Arg (NM_001406766.1, NM_001406767.1, NM_001406770.1); c.2205C>G, p.Ser735Arg (NM_001406776.1, NM_001406777.1, NM_001406778.1 and 1 more transcripts); c.2034C>G, p.Ser678Arg (NM_001406779.1, NM_001406780.1, NM_001406781.1 and 1 more transcripts); c.1905C>G, p.Ser635Arg (NM_001406783.1, NM_001406786.1); c.1941C>G, p.Ser647Arg (NM_001406784.1); and 10 more; short protein forms S977R, S723R, S635R, S647R, S845R, S889R, S542R, S735R.
Identifiers: ClinVar variation 216722 (VCV000216722.27), dbSNP rs375414982, ClinGen allele CA041466.